The following is an entry in ClinVar:

ClinVar aggregate classification (germline): Pathogenic (1 of 4 stars; one submission).

Conditions:
Joubert syndrome. Also called: CEREBELLOPARENCHYMAL DISORDER IV; JOUBERT-BOLTSHAUSER SYNDROME; Familial aplasia of the vermis. Identifiers: Orphanet 475, MedGen C5979921, MONDO:0018772.
Meckel-Gruber syndrome. Also called: DYSENCEPHALIA SPLANCHNOCYSTICA; GRUBER SYNDROME; Dysencephalia splachnocystica. Identifiers: Orphanet 564, MedGen C0265215, MONDO:0018921.

Submission:

Labcorp Genetics (formerly Invitae), Labcorp
Classification: Pathogenic for Joubert syndrome; Meckel-Gruber syndrome. Last evaluated: 2021-09-09. Review status: criteria provided, single submitter. Criteria: Invitae Variant Classification Sherloc (09022015). Collection method: clinical testing. Allele origin: germline.
Comment: This sequence change creates a premature translational stop signal (p.Arg238Glufs*29) in the RPGRIP1L gene. It is expected to result in an absent or disrupted protein product. Loss-of-function variants in RPGRIP1L are known to be pathogenic (PMID: 17558409). This variant is not present in population databases (ExAC no frequency). This variant has not been reported in the literature in individuals affected with RPGRIP1L-related conditions. For these reasons, this variant has been classified as Pathogenic.

Literature cited by the submitters: PubMed 17558409.

NM_015272.5(RPGRIP1L):c.712del (p.Arg238fs)

Gene: RPGRIP1L (RPGRIP1 like; minus strand). Cytogenetic location: 16q12.2.
Variant type: Deletion.
Coding change: c.712del on transcript NM_015272.5 (MANE Select); coding-DNA position 712, one base deleted (A; older notation c.712delA).
Protein change: p.Arg238fs; shifts the reading frame from arginine 238.
Molecular consequence: frameshift variant.
Genome position (GRCh38, 1-based): chr16:53,686,497, T deleted on the plus strand (A on the coding strand, the reverse complement: RPGRIP1L is on the minus strand). VCF-style (leftmost placement, unchanged base first): chr16-53686496-CT-C. GRCh37 (hg19) VCF-style: chr16-53720408-CT-C.
Other names: c.712del, p.Arg238fs (NM_001127897.4, NM_001308334.3, NM_001330538.2); short protein forms R238fs.
Identifiers: ClinVar variation 1403130 (VCV001403130.6), dbSNP rs2151317974, ClinGen allele CA2573152331.